The following is an entry in ClinVar:

NM_013275.6(ANKRD11):c.2177_2178del (p.Lys726fs)

Gene: ANKRD11 (ankyrin repeat domain 11; minus strand). Cytogenetic location: 16q24.3.
Variant type: Deletion.
Coding change: c.2177_2178del on transcript NM_013275.6 (MANE Select); coding-DNA positions 2177 to 2178, 2 bases deleted (AA; older notation c.2177_2178delAA).
Protein change: p.Lys726fs; shifts the reading frame from lysine 726.
Molecular consequence: frameshift variant.
Genome position (GRCh38, 1-based): chr16:89,284,364-89,284,365, TT deleted on the plus strand (AA on the coding strand, the reverse complement: ANKRD11 is on the minus strand); deleting any 2 consecutive bases within chr16:89,284,364-89,284,366 gives the same sequence; the c. name uses the placement nearest the transcript's 3' end. VCF-style (leftmost placement, unchanged base first): chr16-89284363-CTT-C. GRCh37 (hg19) VCF-style: chr16-89350771-CTT-C.
Other names: c.2177_2178del, p.Lys726fs (NM_001256182.2, NM_001256183.2); short protein forms K726fs.
Identifiers: ClinVar variation 1701029 (VCV001701029.3), dbSNP rs2151761128, ClinGen allele CA2580092310.

ClinVar aggregate classification (germline): Pathogenic. Review status: criteria provided, multiple submitters, no conflicts (2 of 4 stars). 2 submissions from 2 submitters: Pathogenic (2). Last evaluated 2026-08-12.

Conditions:
KBG syndrome (KBGS). Also called: ANKRD11-Related KBG Syndrome. Identifiers: Orphanet 2332, MedGen C0220687, MONDO:0007846, OMIM 148050.

Submissions (2):

Clinical Genetics Laboratory, Skane University Hospital Lund
Classification: Pathogenic for KBG syndrome. Last evaluated: 2026-08-12. Review status: criteria provided, single submitter. Criteria: ACMG Guidelines, 2015. Collection method: clinical testing. Allele origin: de novo. Inheritance: Autosomal dominant inheritance. Affected: yes.
Comment: ACMG criteria used: PVS1, PS2 and PM2.

Genome Medicine, Institute for Basic Research in Developmental Disabilities
Classification: Pathogenic for KBG syndrome. Review status: criteria provided, single submitter. Criteria: ACMG Guidelines, 2015. Collection method: clinical testing. Allele origin: de novo. Affected: yes. Observed: 1 variant allele.

Literature cited by the submitters: PubMed 35970914 (cited by Genome Medicine, Institute for Basic Research in Developmental Disabilities).